The following is an entry in ClinVar:

NM_000540.3(RYR1):c.6835T>G (p.Ser2279Ala)

Gene: RYR1 (ryanodine receptor 1; plus strand). Cytogenetic location: 19q13.2.
Variant type: single nucleotide variant.
Coding change: c.6835T>G on transcript NM_000540.3 (MANE Select); coding-DNA position 6835, T replaced by G.
Protein change: p.Ser2279Ala; replaces serine 2279 with alanine.
Molecular consequence: missense variant.
Genome position (GRCh38, 1-based): chr19:38,496,898, T>G. VCF-style: chr19-38496898-T-G. GRCh37 (hg19) VCF-style: chr19-38987538-T-G.
Other names: c.6835T>G, p.Ser2279Ala (NM_001042723.2); short protein forms S2279A.
Identifiers: ClinVar variation 4756579 (VCV004756579.1).

ClinVar aggregate classification (germline): Uncertain significance (1 of 4 stars; one submission).

Conditions:
Malignant hyperthermia, susceptibility to, 1 (MHS1). Also called: RYR1-Related Malignant Hyperthermia Susceptibility; Malignant hyperthermia suceptibility 1; Anesthesia related hyperthermia; Malignant hyperpyrexia; Fulminating hyperpyrexia; Pharmacogenic myopathy. Identifiers: Orphanet 423, MedGen C2930980, MONDO:0007783, OMIM 145600.

Submission:

Color Diagnostics, LLC DBA Color Health
Classification: Uncertain significance for Malignant hyperthermia, susceptibility to, 1. Last evaluated: 2025-09-14. Review status: criteria provided, single submitter. Criteria: ACMG Guidelines, 2015. Collection method: clinical testing. Allele origin: germline.
Comment: This missense variant replaces serine with alanine at codon 2279 of the RYR1 protein. Computational prediction suggests that this variant may have deleterious impact on protein structure and function. To our knowledge, functional studies have not been reported for this variant. This variant has not been reported in individuals affected with RYR1-related disorders in the literature. This variant has not been identified in the general population by the Genome Aggregation Database (gnomAD). The available evidence is insufficient to determine the role of this variant in disease conclusively. Therefore, this variant is classified as a Variant of Uncertain Significance.